The following is an entry in ClinVar:

ClinVar aggregate classification (germline): Uncertain significance (1 of 4 stars; one submission).

Allele frequency attached by ClinVar (database versions not stated): gnomAD exomes below 0.00001; TOPMed 0.00001.
gnomAD v4.1: 2 of 1,607,330 alleles (0.00012%); highest among the groups gnomAD compares: Non-Finnish European, 0.000085%; no homozygotes.

Submission:

Labcorp Genetics (formerly Invitae), Labcorp
Classification: Uncertain significance. Last evaluated: 2022-10-26. Review status: criteria provided, single submitter. Criteria: Invitae Variant Classification Sherloc (09022015). Collection method: clinical testing. Allele origin: germline.
Comment: Algorithms developed to predict the effect of missense changes on protein structure and function are either unavailable or do not agree on the potential impact of this missense change (SIFT: "Tolerated"; PolyPhen-2: "Probably Damaging"; Align-GVGD: "Class C0"). In summary, the available evidence is currently insufficient to determine the role of this variant in disease. Therefore, it has been classified as a Variant of Uncertain Significance. This variant has not been reported in the literature in individuals affected with KIDINS220-related conditions. This variant is not present in population databases (gnomAD no frequency). This sequence change replaces lysine, which is basic and polar, with arginine, which is basic and polar, at codon 737 of the KIDINS220 protein (p.Lys737Arg).

NM_020738.4(KIDINS220):c.2210A>G (p.Lys737Arg)

Gene: KIDINS220 (kinase D interacting substrate 220; minus strand). Cytogenetic location: 2p25.1.
Variant type: single nucleotide variant.
Coding change: c.2210A>G on transcript NM_020738.4 (MANE Select); coding-DNA position 2210, A replaced by G.
Protein change: p.Lys737Arg; replaces lysine 737 with arginine.
Molecular consequence: missense variant. On other transcripts: non-coding transcript variant (2).
Genome position (GRCh38, 1-based): chr2:8,785,760, T>C on the plus strand (A>G on the coding strand, the complement: KIDINS220 is on the minus strand). VCF-style: chr2-8785760-T-C. GRCh37 (hg19) VCF-style: chr2-8925890-T-C.
Other names: c.2213A>G, p.Lys738Arg (NM_001348729.2, NM_001348731.2, NM_001348734.2 and 3 more transcripts); c.2210A>G, p.Lys737Arg (NM_001348732.2, NM_001348735.2, NM_001348738.2 and 3 more transcripts); c.2084A>G, p.Lys695Arg (NM_001348736.2); short protein forms K737R, K695R, K738R.
Identifiers: ClinVar variation 1896564 (VCV001896564.5), dbSNP rs1672311850, ClinGen allele CA345763048.
Genomic context (GRCh38, chr2:8,785,760, plus strand): 5'-ATTCGCATTACAATTTTTTCTAATAACCAATGAGTGCTTACTTTCATGAATCCTTCACTT[T>C]TCAATTTGTGCAGTTTGGAGGCTGCATTATGGAGGCGTTTTCTTTGGGAATTCAGGAGCG-3'
Protein context (NP_065789.1, residues 727-747): HNAASKLHKL[Lys737Arg]SEGFMKVLKC